The following is an entry in ClinVar:

NM_000260.4(MYO7A):c.1349A>T (p.Glu450Val)

Gene: MYO7A (myosin VIIA; plus strand). Cytogenetic location: 11q13.5.
Variant type: single nucleotide variant.
Coding change: c.1349A>T on transcript NM_000260.4 (MANE Select); coding-DNA position 1349, A replaced by T.
Protein change: p.Glu450Val; replaces glutamic acid 450 with valine.
Molecular consequence: missense variant.
Genome position (GRCh38, 1-based): chr11:77,162,125, A>T. VCF-style: chr11-77162125-A-T. GRCh37 (hg19) VCF-style: chr11-76873171-A-T.
Other names: c.1349A>T, p.Glu450Val (NM_001127180.2); c.1316A>T, p.Glu439Val (NM_001369365.1); short protein forms E450V, E439V.
Identifiers: ClinVar variation 438678 (VCV000438678.12), dbSNP rs1555069238, ClinGen allele CA381935201.

ClinVar aggregate classification (germline): Likely pathogenic. Review status: criteria provided, multiple submitters, no conflicts (2 of 4 stars). 3 submissions from 3 submitters: Likely pathogenic (2). 1 of the submissions does not count toward it. Last evaluated 2024-02-20.

Conditions:
Autosomal dominant nonsyndromic hearing loss 11. Identifiers: Orphanet 90635, MedGen C1832475, MONDO:0011032, OMIM 601317.
Autosomal recessive nonsyndromic hearing loss 2. Also called: NEUROSENSORY NONSYNDROMIC RECESSIVE DEAFNESS 2; DEAFNESS, AUTOSOMAL RECESSIVE 2. Identifiers: Orphanet 90636, MedGen C1838701, MONDO:0010807, OMIM 600060.
Usher syndrome type 1 (USH1). Also called: RETINITIS PIGMENTOSA AND CONGENITAL DEAFNESS. Identifiers: Orphanet 231169, Orphanet 886, MedGen C1568247, MONDO:0010168, OMIM 276900.

gnomAD v4.1: 1 of 1,598,688 alleles (0.000063%); highest among the groups gnomAD compares: Non-Finnish European, 0.000085%; no homozygotes.

Submissions (3):

Fulgent Genetics
Classification: Likely pathogenic for Usher syndrome type 1; Autosomal recessive nonsyndromic hearing loss 2; Autosomal dominant nonsyndromic hearing loss 11. Last evaluated: 2024-02-20. Review status: criteria provided, single submitter. Criteria: ACMG Guidelines, 2015. Collection method: clinical testing. Allele origin: germline.

Labcorp Genetics (formerly Invitae), Labcorp
Classification: Likely pathogenic. Last evaluated: 2022-03-10. Review status: criteria provided, single submitter. Criteria: Invitae Variant Classification Sherloc (09022015). Collection method: clinical testing. Allele origin: germline.
Comment: This variant disrupts the p.Glu450 amino acid residue in MYO7A. Other variant(s) that disrupt this residue have been determined to be pathogenic (PMID: 8900236). This suggests that this residue is clinically significant, and that variants that disrupt this residue are likely to be disease-causing. In summary, the currently available evidence indicates that the variant is pathogenic, but additional data are needed to prove that conclusively. Therefore, this variant has been classified as Likely Pathogenic. Advanced modeling of protein sequence and biophysical properties (such as structural, functional, and spatial information, amino acid conservation, physicochemical variation, residue mobility, and thermodynamic stability) performed at Invitae indicates that this missense variant is expected to disrupt MYO7A protein function. ClinVar contains an entry for this variant (Variation ID: 438678). This missense change has been observed in individual(s) with autosomal recessive retinitis pigmentosa (Invitae). This variant is not present in population databases (gnomAD no frequency). This sequence change replaces glutamic acid, which is acidic and polar, with valine, which is neutral and non-polar, at codon 450 of the MYO7A protein (p.Glu450Val).

Bioscientia Institut fuer Medizinische Diagnostik GmbH, Sonic Healthcare
Classification: Likely pathogenic for Usher syndrome type 1. Last evaluated: 2017-04-20. Review status: no assertion criteria provided. Collection method: clinical testing. Allele origin: germline. Affected: yes. Not counted in ClinVar's aggregate classification.

Literature cited by the submitters: PubMed 8900236 (cited by Labcorp Genetics (formerly Invitae), Labcorp).